The following is an entry in ClinVar:

ClinVar aggregate classification (germline): Uncertain significance (0 of 4 stars; one submission).

Conditions:
Prostate cancer. Also called: Malignant tumor of prostate. Identifiers: Orphanet 1331, MedGen C0376358, MONDO:0008315, HP:0012125.

Submission:

Science for Life laboratory,  Karolinska Institutet
Classification: Uncertain significance for Malignant tumor of prostate. Review status: no assertion criteria provided. Collection method: not provided. Allele origin: somatic.
Comment: TumorID:SWE-5
ClinVar note: Converted during submission from Unknown to Uncertain significance.

NM_006833.5(COPS6):c.631A>C (p.Ser211Arg)

Gene: COPS6 (COP9 signalosome subunit 6; plus strand). Cytogenetic location: 7q22.1.
Variant type: single nucleotide variant.
Coding change: c.631A>C on transcript NM_006833.5 (MANE Select); coding-DNA position 631, A replaced by C.
Protein change: p.Ser211Arg; replaces serine 211 with arginine.
Molecular consequence: missense variant.
Genome position (GRCh38, 1-based): chr7:100,091,134, A>C. VCF-style: chr7-100091134-A-C. GRCh37 (hg19) VCF-style: chr7-99688757-A-C.
Other names: short protein forms S211R.
Identifiers: ClinVar variation 161652 (VCV000161652.2), dbSNP rs193921011, ClinGen allele CA174533.